The following is an entry in ClinVar:

NM_005612.5(REST):c.2576A>T (p.Asp859Val)

Gene: REST (RE1 silencing transcription factor; plus strand). Cytogenetic location: 4q12.
Variant type: single nucleotide variant.
Coding change: c.2576A>T on transcript NM_005612.5 (MANE Select); coding-DNA position 2576, A replaced by T.
Protein change: p.Asp859Val; replaces aspartic acid 859 with valine.
Molecular consequence: missense variant.
Genome position (GRCh38, 1-based): chr4:56,931,434, A>T. VCF-style: chr4-56931434-A-T. GRCh37 (hg19) VCF-style: chr4-57797600-A-T.
Other names: c.2576A>T, p.Asp859Val (NM_001193508.2, NM_001363453.3); short protein forms D859V.
Identifiers: ClinVar variation 2889207 (VCV002889207.3), dbSNP rs1406128387, ClinGen allele CA357009087.
Genomic context (GRCh38, chr4:56,931,434, plus strand): 5'-AAGTTGGCTTAGTGCCTGTTAAAGATAGCTGGCTTCTAAAGGAAAGTGTAAGCACAGAGG[A>T]TCTCTCACCACCATCACCACCACTGCCAAAGGAAAATTTAAGAGAAGAGGCATCAGGAGA-3'
Protein context (NP_005603.3, residues 849-869): WLLKESVSTE[Asp859Val]LSPPSPPLPK

ClinVar aggregate classification (germline): Uncertain significance (1 of 4 stars; one submission).

Submission:

Labcorp Genetics (formerly Invitae), Labcorp
Classification: Uncertain significance. Last evaluated: 2023-03-08. Review status: criteria provided, single submitter. Criteria: Invitae Variant Classification Sherloc (09022015). Collection method: clinical testing. Allele origin: germline.
Comment: This variant is not present in population databases (gnomAD no frequency). This variant has not been reported in the literature in individuals affected with REST-related conditions. An algorithm developed to predict the effect of missense changes on protein structure and function (PolyPhen-2) suggests that this variant is likely to be tolerated. In summary, the available evidence is currently insufficient to determine the role of this variant in disease. Therefore, it has been classified as a Variant of Uncertain Significance. This sequence change replaces aspartic acid, which is acidic and polar, with valine, which is neutral and non-polar, at codon 859 of the REST protein (p.Asp859Val).